The following is an entry in ClinVar:

NM_152564.5(VPS13B):c.3533C>G (p.Pro1178Arg)

Gene: VPS13B (vacuolar protein sorting 13 homolog B; plus strand). Cytogenetic location: 8q22.2.
Variant type: single nucleotide variant.
Coding change: c.3533C>G on transcript NM_152564.5 (MANE Select); coding-DNA position 3533, C replaced by G.
Protein change: p.Pro1178Arg; replaces proline 1178 with arginine.
Molecular consequence: missense variant.
Genome position (GRCh38, 1-based): chr8:99,467,501, C>G. VCF-style: chr8-99467501-C-G. GRCh37 (hg19) VCF-style: chr8-100479729-C-G.
Other names: c.3533C>G (NM_017890.3, NM_152564.4); c.3533C>G, p.Pro1178Arg (NM_017890.5); short protein forms P1178R.
Identifiers: ClinVar variation 1050938 (VCV001050938.8), dbSNP rs1391680745, ClinGen allele CA371866090.
Genomic context (GRCh38, chr8:99,467,501, plus strand): 5'-TGCATAATTTCAGCATATATACCCTTCTTGGAAAACAAGTGACACTTTGCCTAGTGGAAC[C>G]TATGGGTTGCACCTCCACTCTAGCTGTCACGTCTCAAAAACTGCTTGCTACGGGACCTGA-3'
Protein context (NP_689777.3, residues 1168-1188): GKQVTLCLVE[Pro1178Arg]MGCTSTLAVT

ClinVar aggregate classification (germline): Uncertain significance. Review status: criteria provided, multiple submitters, no conflicts (2 of 4 stars). 3 submissions from 3 submitters: Uncertain significance (2). 1 of the submissions does not count toward it. Last evaluated 2025-05-03.

Conditions:
Inborn genetic diseases. Identifiers: MedGen C0950123, MeSH D030342.
VPS13B-related disorder. Also called: VPS13B-related condition.
Cohen syndrome (COH1). Also called: PEPPER SYNDROME; Cutis verticis gyrata, retinitis pigmentosa, and sensorineural deafness. Identifiers: Orphanet 193, MedGen C0265223, MONDO:0008999, OMIM 216550.

Allele frequency attached by ClinVar (database versions not stated): gnomAD exomes 0.00001; gnomAD 0.00002.
gnomAD v4.1: 6 of 1,613,622 alleles (0.00037%); highest among the groups gnomAD compares: African/African-American, 0.0067%; no homozygotes.

Submissions (3):

Ambry Genetics
Classification: Uncertain significance for Inborn genetic diseases. Last evaluated: 2025-05-03. Review status: criteria provided, single submitter. Criteria: Ambry Variant Classification Scheme 2023. Collection method: clinical testing. Allele origin: germline.

Labcorp Genetics (formerly Invitae), Labcorp
Classification: Uncertain significance for Cohen syndrome. Last evaluated: 2022-03-10. Review status: criteria provided, single submitter. Criteria: Invitae Variant Classification Sherloc (09022015). Collection method: clinical testing. Allele origin: germline.
Comment: This sequence change replaces proline, which is neutral and non-polar, with arginine, which is basic and polar, at codon 1178 of the VPS13B protein (p.Pro1178Arg). This variant is present in population databases (no rsID available, gnomAD 0.02%). This variant has not been reported in the literature in individuals affected with VPS13B-related conditions. ClinVar contains an entry for this variant (Variation ID: 1050938). Algorithms developed to predict the effect of missense changes on protein structure and function are either unavailable or do not agree on the potential impact of this missense change (SIFT: "Not Available"; PolyPhen-2: "Probably Damaging"; Align-GVGD: "Not Available"). Algorithms developed to predict the effect of sequence changes on RNA splicing suggest that this variant may create or strengthen a splice site. In summary, the available evidence is currently insufficient to determine the role of this variant in disease. Therefore, it has been classified as a Variant of Uncertain Significance.

PreventionGenetics, part of Exact Sciences
Classification: Uncertain significance for VPS13B-related condition. Last evaluated: 2024-04-05. Review status: no assertion criteria provided. Collection method: clinical testing. Allele origin: germline. Not counted in ClinVar's aggregate classification.
Comment: The VPS13B c.3533C>G variant is predicted to result in the amino acid substitution p.Pro1178Arg. To our knowledge, this variant has not been reported in the literature. This variant is reported in 0.016% of alleles in individuals of African descent in gnomAD. At this time, the clinical significance of this variant is uncertain due to the absence of conclusive functional and genetic evidence.